The following is an entry in ClinVar:

ClinVar aggregate classification (germline): Uncertain significance (1 of 4 stars; one submission).

Submission:

Labcorp Genetics (formerly Invitae), Labcorp
Classification: Uncertain significance. Last evaluated: 2022-08-24. Review status: criteria provided, single submitter. Criteria: Invitae Variant Classification Sherloc (09022015). Collection method: clinical testing. Allele origin: germline.
Comment: Advanced modeling of protein sequence and biophysical properties (such as structural, functional, and spatial information, amino acid conservation, physicochemical variation, residue mobility, and thermodynamic stability) performed at Invitae indicates that this missense variant is not expected to disrupt KCNQ5 protein function. In summary, the available evidence is currently insufficient to determine the role of this variant in disease. Therefore, it has been classified as a Variant of Uncertain Significance. This variant has not been reported in the literature in individuals affected with KCNQ5-related conditions. This variant is not present in population databases (gnomAD no frequency). This sequence change replaces threonine, which is neutral and polar, with serine, which is neutral and polar, at codon 430 of the KCNQ5 protein (p.Thr430Ser).

NM_019842.4(KCNQ5):c.1248-3588A>T

Gene: KCNQ5 (potassium voltage-gated channel subfamily Q member 5; plus strand). Cytogenetic location: 6q13.
Variant type: single nucleotide variant.
Coding change: c.1248-3588A>T on transcript NM_019842.4 (MANE Select); 3588 bases into the intron before coding-DNA position 1248, A replaced by T.
Molecular consequence: intron variant. On other transcripts: missense variant (2).
Genome position (GRCh38, 1-based): chr6:73,129,833, A>T. VCF-style: chr6-73129833-A-T. GRCh37 (hg19) VCF-style: chr6-73839556-A-T.
Other names: c.1261A>T, p.Thr421Ser (NM_001160132.2); c.1288A>T, p.Thr430Ser (NM_001160133.2); c.1247+5321A>T (NM_001160134.2); c.1221-3588A>T (NM_001160130.2); short protein forms T430S, T421S.
Identifiers: ClinVar variation 2088756 (VCV002088756.4), dbSNP rs2533750543, ClinGen allele CA364827665.